The following is an entry in ClinVar:

ClinVar aggregate classification (germline): Likely benign. Review status: criteria provided, multiple submitters, no conflicts (2 of 4 stars). 2 submissions from 2 submitters: Likely benign (2). Last evaluated 2025-10-06.

Conditions:
Hereditary breast ovarian cancer syndrome. Also called: Breast and ovarian cancer; Hereditary breast and/or ovarian cancer syndrome; BRCA1- and BRCA2-Associated Hereditary Breast and Ovarian Cancer; Hereditary breast and ovarian cancer syndrome; Hereditary breast and ovarian cancer syndrome (HBOC); Hereditary breast and ovarian cancer. Identifiers: Orphanet 145, MedGen C0677776, MeSH D061325, MONDO:0003582. Disease mechanism: loss of function.

Submissions (3):

Labcorp Genetics (formerly Invitae), Labcorp
Classification: Likely benign for Hereditary breast ovarian cancer syndrome. Last evaluated: 2025-10-06. Review status: criteria provided, single submitter. Criteria: Invitae Variant Classification Sherloc (09022015). Collection method: clinical testing. Allele origin: germline.

Women's Health and Genetics/Laboratory Corporation of America, LabCorp
Classification: Likely benign. Last evaluated: 2024-12-17. Review status: criteria provided, single submitter. Criteria: LabCorp Variant Classification Summary - May 2015. Collection method: clinical testing. Allele origin: germline.
Comment: Variant summary: BRCA1 c.81-15C>A alters a non-conserved nucleotide located at a position not widely known to affect splicing. The variant was absent in 246832 control chromosomes. The available data on variant occurrences in the general population are insufficient to allow any conclusion about variant significance. To our knowledge, no occurrence of c.81-15C>A in individuals affected with Hereditary Breast And Ovarian Cancer Syndrome has been reported. At least one functional study reports experimental evidence evaluating an impact on protein function and showed no damaging effect of this variant on homology directed repair (HDR) activity (e.g. Findlay_2018). HDR assays qualify as a recognized gold standard on the basis of updated guidance provided by the ClinGen Sequence Variant Interpretation (SVI) working group. ClinVar contains an entry for this variant (Variation ID: 496403). Based on the evidence outlined above, the variant was classified as likely benign.

Brotman Baty Institute, University of Washington
No classification provided (evidence only). Condition: Breast-ovarian cancer, familial 1. Review status: no classification provided. Collection method: in vitro. Allele origin: not applicable. Functional consequence: functionally_normal. Not counted in ClinVar's aggregate classification.
ClinVar note: "not provided" was previously submitted as the classification for the variant. However, the classification appeared to be based only on an observation of functional data so it was converted to no classification on 2025-07-30.

Literature cited by the submitters: PubMed 30209399 (cited by Women's Health and Genetics/Laboratory Corporation of America, LabCorp).

NM_007294.4(BRCA1):c.81-15C>A

Gene: BRCA1 (BRCA1 DNA repair associated; minus strand). Cytogenetic location: 17q21.31.
Variant type: single nucleotide variant.
Coding change: c.81-15C>A on transcript NM_007294.4 (MANE Select); 15 bases into the intron before coding-DNA position 81, C replaced by A.
Molecular consequence: intron variant.
Genome position (GRCh38, 1-based): chr17:43,115,794, G>T on the plus strand (C>A on the coding strand, the complement: BRCA1 is on the minus strand). VCF-style: chr17-43115794-G-T. GRCh37 (hg19) VCF-style: chr17-41267811-G-T.
Other names: c.-61-15C>A (NM_001408503.1, NM_001407943.1, NM_001407748.1 and 47 more transcripts); c.81-15C>A (NM_001407973.1, NM_001407596.1, NM_001408495.1 and 191 more transcripts); c.-219+9477C>A (NM_001407966.1); c.-170+9477C>A (NM_001407963.1); c.-7-9261C>A (NM_001408511.1, NM_001408457.1, NM_001407692.1 and 2 more transcripts); c.-223-15C>A (NM_001407960.1, NM_001407962.1, NM_001408512.1 and 1 more transcripts); c.-219+9483C>A (NM_001407967.1); c.-170+9483C>A (NM_001407959.1); and 10 more.
Identifiers: ClinVar variation 496403 (VCV000496403.14), dbSNP rs1555599314, ClinGen allele CA658684106.